The following is an entry in ClinVar:

NM_001378454.1(ALMS1):c.1792G>A (p.Ala598Thr)

Gene: ALMS1 (ALMS1 centrosome and basal body associated protein; plus strand). Cytogenetic location: 2p13.1.
Variant type: single nucleotide variant.
Coding change: c.1792G>A on transcript NM_001378454.1 (MANE Select); coding-DNA position 1792, G replaced by A.
Protein change: p.Ala598Thr; replaces alanine 598 with threonine.
Molecular consequence: missense variant.
Genome position (GRCh38, 1-based): chr2:73,448,319, G>A. VCF-style: chr2-73448319-G-A. GRCh37 (hg19) VCF-style: chr2-73675446-G-A.
Other names: c.1795G>A, p.Ala599Thr (NM_015120.4); short protein forms A599T, A598T.
Identifiers: ClinVar variation 1395295 (VCV001395295.3), dbSNP rs776537010, ClinGen allele CA1713227.

ClinVar aggregate classification (germline): Uncertain significance (1 of 4 stars; one submission).

Conditions:
Alstrom syndrome (ALMS). Identifiers: Orphanet 64, MedGen C0268425, MONDO:0008763, OMIM 203800.

Allele frequency attached by ClinVar (database versions not stated): gnomAD exomes below 0.00001 and 0.00001; ExAC 0.00001.
gnomAD v4.1: 5 of 1,613,886 alleles (0.00031%); highest among the groups gnomAD compares: Non-Finnish European, 0.00042%; no homozygotes.

Submission:

Labcorp Genetics (formerly Invitae), Labcorp
Classification: Uncertain significance for Alstrom syndrome. Last evaluated: 2021-10-22. Review status: criteria provided, single submitter. Criteria: Invitae Variant Classification Sherloc (09022015). Collection method: clinical testing. Allele origin: germline.
Comment: This sequence change replaces alanine, a(n) neutral and non-polar amino acid, with threonine, a(n) neutral and polar amino acid, at codon 599 of the ALMS1 protein (p.Ala599Thr). This variant is present in population databases (rs776537010, gnomAD 0.0009%). This variant has not been reported in the literature in individuals affected with ALMS1-related conditions. Algorithms developed to predict the effect of missense changes on protein structure and function output the following: SIFT: "Not Available"; PolyPhen-2: "Not Available"; Align-GVGD: "Not Available". The threonine amino acid residue is found in multiple mammalian species, which suggests that this missense change does not adversely affect protein function. In summary, the available evidence is currently insufficient to determine the role of this variant in disease. Therefore, it has been classified as a Variant of Uncertain Significance.